The following is an entry in ClinVar:

ClinVar aggregate classification (germline): Uncertain significance (1 of 4 stars; one submission).

Allele frequency attached by ClinVar (database versions not stated): gnomAD 0.00001; TOPMed 0.00001; gnomAD exomes 0.00002.
gnomAD v4.1: 33 of 1,579,554 alleles (0.0021%); highest among the groups gnomAD compares: Non-Finnish European, 0.0029%; no homozygotes.

Submission:

Labcorp Genetics (formerly Invitae), Labcorp
Classification: Uncertain significance. Last evaluated: 2021-03-29. Review status: criteria provided, single submitter. Criteria: Invitae Variant Classification Sherloc (09022015). Collection method: clinical testing. Allele origin: germline.
Comment: This variant has not been reported in the literature in individuals with CEP78-related conditions. In summary, the available evidence is currently insufficient to determine the role of this variant in disease. Therefore, it has been classified as a Variant of Uncertain Significance. Algorithms developed to predict the effect of missense changes on protein structure and function are either unavailable or do not agree on the potential impact of this missense change (SIFT: "Tolerated"; PolyPhen-2: "Probably Damaging"; Align-GVGD: "Class C0"). This variant is not present in population databases (ExAC no frequency). This sequence change replaces asparagine with lysine at codon 312 of the CEP78 protein (p.Asn312Lys). The asparagine residue is highly conserved and there is a moderate physicochemical difference between asparagine and lysine.

NM_001330691.3(CEP78):c.936T>A (p.Asn312Lys)

Gene: CEP78 (centrosomal protein 78; plus strand). Cytogenetic location: 9q21.2.
Variant type: single nucleotide variant.
Coding change: c.936T>A on transcript NM_001330691.3 (MANE Select); coding-DNA position 936, T replaced by A.
Protein change: p.Asn312Lys; replaces asparagine 312 with lysine.
Molecular consequence: missense variant.
Genome position (GRCh38, 1-based): chr9:78,248,334, T>A. VCF-style: chr9-78248334-T-A. GRCh37 (hg19) VCF-style: chr9-80863250-T-A.
Other names: c.936T>A, p.Asn312Lys (NM_001098802.3, NM_001330693.3, NM_001330694.2 and 4 more transcripts); short protein forms N312K.
Identifiers: ClinVar variation 1383163 (VCV001383163.8), dbSNP rs1473992572, ClinGen allele CA373856841.
Genomic context (GRCh38, chr9:78,248,334, plus strand): 5'-TTTTTATTTTACTTTAGATCATTCTATGATGAAAGCAGTTATCAAAAAAGTCCTCCAGAA[T>A]GGAAGGAGTGCCAAATCAGAGGTATATCATGTTTTATTTCTCCAGAAAGAATTCTTATTT-3'
Protein context (NP_001317620.1, residues 302-322): MKAVIKKVLQ[Asn312Lys]GRSAKSEYQW